The following is an entry in ClinVar:

ClinVar aggregate classification (germline): Uncertain significance (1 of 4 stars; one submission).

Conditions:
Inborn genetic diseases. Identifiers: MedGen C0950123, MeSH D030342.

Submission:

Ambry Genetics
Classification: Uncertain significance for Inborn genetic diseases. Last evaluated: 2024-12-20. Review status: criteria provided, single submitter. Criteria: Ambry Variant Classification Scheme 2023. Collection method: clinical testing. Allele origin: germline.
Comment: The p.K457Q variant (also known as c.1369A>C), located in coding exon 1 of the SAMD9L gene, results from an A to C substitution at nucleotide position 1369. The lysine at codon 457 is replaced by glutamine, an amino acid with similar properties. This amino acid position is conserved. In addition, this alteration is predicted to be tolerated by in silico analysis. Based on the available evidence, the clinical significance of this variant remains unclear.

NM_152703.5(SAMD9L):c.1369A>C (p.Lys457Gln)

Gene: SAMD9L (sterile alpha motif domain containing 9 like; minus strand). Cytogenetic location: 7q21.2.
Variant type: single nucleotide variant.
Coding change: c.1369A>C on transcript NM_152703.5 (MANE Select); coding-DNA position 1369, A replaced by C.
Protein change: p.Lys457Gln; replaces lysine 457 with glutamine.
Molecular consequence: missense variant.
Genome position (GRCh38, 1-based): chr7:93,134,603, T>G on the plus strand (A>C on the coding strand, the complement: SAMD9L is on the minus strand). VCF-style: chr7-93134603-T-G. GRCh37 (hg19) VCF-style: chr7-92763916-T-G.
Other names: c.1369A>C, p.Lys457Gln (NM_001303496.3, NM_001303497.3, NM_001303498.3 and 5 more transcripts); short protein forms K457Q.
Identifiers: ClinVar variation 3792234 (VCV003792234.1).